The following is an entry in ClinVar:

NM_001267550.2(TTN):c.64396+2T>C

Genes: TTN (titin; minus strand), TTN-AS1 (TTN antisense RNA 1; plus strand). Cytogenetic location: 2q31.2.
Variant type: single nucleotide variant.
Coding change: c.64396+2T>C on transcript NM_001267550.2 (MANE Select); the canonical splice donor site of the intron after coding-DNA position 64396, T replaced by C.
Molecular consequence: splice donor variant.
Genome position (GRCh38, 1-based): chr2:178,586,503, A>G on the plus strand (T>C on the coding strand, the complement: TTN is on the minus strand). VCF-style: chr2-178586503-A-G. GRCh37 (hg19) VCF-style: chr2-179451230-A-G.
Other names: c.37201+2T>C (NM_003319.4); c.37777+2T>C (NM_133437.4); c.37576+2T>C (NM_133432.3); c.56692+2T>C (NM_133378.4); c.59473+2T>C (NM_001256850.1).
Identifiers: ClinVar variation 1514714 (VCV001514714.8), dbSNP rs2154181458, ClinGen allele CA349440799.

ClinVar aggregate classification (germline): Likely pathogenic (1 of 4 stars; one submission).

Conditions:
Dilated cardiomyopathy 1G (CMD1G). Identifiers: Orphanet 154, MedGen C1858763, MONDO:0011400, OMIM 604145.
Autosomal recessive limb-girdle muscular dystrophy type 2J (LGMDR10). Also called: Limb-girdle muscular dystrophy, type 2J; MUSCULAR DYSTROPHY, LIMB-GIRDLE, AUTOSOMAL RECESSIVE 10. Identifiers: Orphanet 140922, MedGen C1837342, MONDO:0012127, OMIM 608807.

Submission:

Labcorp Genetics (formerly Invitae), Labcorp
Classification: Likely pathogenic for Dilated cardiomyopathy 1G; Autosomal recessive limb-girdle muscular dystrophy type 2J. Last evaluated: 2021-04-17. Review status: criteria provided, single submitter. Criteria: Invitae Variant Classification Sherloc (09022015). Collection method: clinical testing. Allele origin: germline.
Comment: This sequence change affects a donor splice site in intron 308 of the TTN gene. It is expected to disrupt RNA splicing and likely results in a truncated or disrupted TTN protein.” This variant is not present in population databases (ExAC no frequency). This variant has not been reported in the literature in individuals with TTN-related conditions. Algorithms developed to predict the effect of sequence changes on RNA splicing suggest that this variant may disrupt the consensus splice site, but this prediction has not been confirmed by published transcriptional studies. In summary, the currently available evidence indicates that the variant is pathogenic, but additional data are needed to prove that conclusively. Therefore, this variant has been classified as Likely Pathogenic. This variant is located in the A band of TTN (PMID: 25589632). Truncating variants in this region are significantly overrepresented in patients affected with dilated cardiomyopathy (PMID: 25589632). Truncating variants in this region have also been reported in individuals affected with autosomal recessive centronuclear myopathy (PMID: 23975875).

Literature cited by the submitters: PubMed 25589632; PubMed 23975875.